The following is an entry in ClinVar:

ClinVar aggregate classification (germline): Pathogenic (1 of 4 stars; one submission).

Conditions:
Joubert syndrome. Also called: CEREBELLOPARENCHYMAL DISORDER IV; JOUBERT-BOLTSHAUSER SYNDROME; Familial aplasia of the vermis. Identifiers: Orphanet 475, MedGen C5979921, MONDO:0018772.

Submission:

Labcorp Genetics (formerly Invitae), Labcorp
Classification: Pathogenic for Joubert syndrome. Last evaluated: 2025-09-15. Review status: criteria provided, single submitter. Criteria: Invitae Variant Classification Sherloc (09022015). Collection method: clinical testing. Allele origin: germline.
Comment: This sequence change creates a premature translational stop signal (p.Gln506*) in the INPP5E gene. It is expected to result in an absent or disrupted protein product. Loss-of-function variants in INPP5E are known to be pathogenic (PMID: 19668216, 23034536, 23386033, 28125082, 29555955). This variant is not present in population databases (gnomAD no frequency). This variant has not been reported in the literature in individuals affected with INPP5E-related conditions. For these reasons, this variant has been classified as Pathogenic.

Literature cited by the submitters: PubMed 19668216; PubMed 23034536; PubMed 23386033; PubMed 28125082; PubMed 29555955.

NM_019892.6(INPP5E):c.1516C>T (p.Gln506Ter)

Gene: INPP5E (inositol polyphosphate-5-phosphatase E; minus strand). Cytogenetic location: 9q34.3.
Variant type: single nucleotide variant.
Coding change: c.1516C>T on transcript NM_019892.6 (MANE Select); coding-DNA position 1516, C replaced by T.
Protein change: p.Gln506Ter; replaces glutamine 506 with a stop codon.
Molecular consequence: nonsense.
Genome position (GRCh38, 1-based): chr9:136,431,857, G>A on the plus strand (C>T on the coding strand, the complement: INPP5E is on the minus strand). VCF-style: chr9-136431857-G-A. GRCh37 (hg19) VCF-style: chr9-139326309-G-A.
Other names: c.1513C>T, p.Gln505Ter (NM_001318502.2); short protein forms Q505*, Q506*.
Identifiers: ClinVar variation 4727271 (VCV004727271.1).
Genomic context (GRCh38, chr9:136,431,857, plus strand): 5'-TCCATGCCCGCCCCCCCAGGCCCTCACCTTTCCGCATCTCCCGGATGAGCTGGTCGTGCT[G>A]CAGCAGCGCCGGCACGTCCACCACCAGGCCCTGGCACAGGAGGGCGTCCACGACTGTGCG-3'